The following is an entry in ClinVar:

NM_000057.4(BLM):c.3034A>G (p.Asn1012Asp)

Gene: BLM (BLM RecQ like helicase; plus strand). Cytogenetic location: 15q26.1.
Variant type: single nucleotide variant.
Coding change: c.3034A>G on transcript NM_000057.4 (MANE Select); coding-DNA position 3034, A replaced by G.
Protein change: p.Asn1012Asp; replaces asparagine 1012 with aspartic acid.
Molecular consequence: missense variant.
Genome position (GRCh38, 1-based): chr15:90,794,181, A>G. VCF-style: chr15-90794181-A-G. GRCh37 (hg19) VCF-style: chr15-91337411-A-G.
Other names: c.3034A>G, p.Asn1012Asp (NM_001287246.2, NM_001287247.2); c.1909A>G, p.Asn637Asp (NM_001287248.2); short protein forms N1012D, N637D.
Identifiers: ClinVar variation 4533145 (VCV004533145.1).

ClinVar aggregate classification (germline): Uncertain significance (1 of 4 stars; one submission).

gnomAD v4.1: 1 of 1,603,214 alleles (0.000062%); highest among the groups gnomAD compares: Admixed American, 0.0017%; no homozygotes.

Submission:

Quest Diagnostics Nichols Institute San Juan Capistrano
Classification: Uncertain significance. Last evaluated: 2025-11-08. Review status: criteria provided, single submitter. Criteria: Quest Diagnostics criteria. Collection method: clinical testing. Allele origin: unknown.
Comment: The BLM c.3034A>G (p.Asn1012Asp) variant has not been reported in individuals with BLM-related conditions in the published literature. The frequency of this variant in the general population (Genome Aggregation Database) is uninformative in the assessment of its pathogenicity. Analysis of this variant using bioinformatics tools for the prediction of the effect of amino acid changes on protein structure and function yielded predictions that this variant is benign. Based on the available information, we are unable to determine the clinical significance of this variant.